The following is an entry in ClinVar:

NM_006031.6(PCNT):c.4791+1G>A

Gene: PCNT (pericentrin; plus strand). Cytogenetic location: 21q22.3.
Variant type: single nucleotide variant.
Coding change: c.4791+1G>A on transcript NM_006031.6 (MANE Select); the canonical splice donor site of the intron after coding-DNA position 4791, G replaced by A.
Molecular consequence: splice donor variant.
Genome position (GRCh38, 1-based): chr21:46,399,797, G>A. VCF-style: chr21-46399797-G-A. GRCh37 (hg19) VCF-style: chr21-47819711-G-A.
Other names: c.4437+1G>A (NM_001315529.2).
Identifiers: ClinVar variation 2779619 (VCV002779619.3), dbSNP rs756524704, ClinGen allele CA10079772.

ClinVar aggregate classification (germline): Likely pathogenic (1 of 4 stars; one submission).

Allele frequency attached by ClinVar (database versions not stated): gnomAD 0.00001; gnomAD exomes 0.00001; TOPMed 0.00001; ExAC 0.00002.
gnomAD v4.1: 8 of 1,613,360 alleles (0.0005%); highest among the groups gnomAD compares: South Asian, 0.0011%; no homozygotes.

Submission:

Labcorp Genetics (formerly Invitae), Labcorp
Classification: Likely pathogenic. Last evaluated: 2023-04-12. Review status: criteria provided, single submitter. Criteria: Invitae Variant Classification Sherloc (09022015). Collection method: clinical testing. Allele origin: germline.
Comment: In summary, the currently available evidence indicates that the variant is pathogenic, but additional data are needed to prove that conclusively. Therefore, this variant has been classified as Likely Pathogenic. Algorithms developed to predict the effect of sequence changes on RNA splicing suggest that this variant may disrupt the consensus splice site. This variant has not been reported in the literature in individuals affected with PCNT-related conditions. This variant is present in population databases (rs756524704, gnomAD 0.003%). This sequence change affects a donor splice site in intron 25 of the PCNT gene. It is expected to disrupt RNA splicing. Variants that disrupt the donor or acceptor splice site typically lead to a loss of protein function (PMID: 16199547), and loss-of-function variants in PCNT are known to be pathogenic (PMID: 18174396, 22821869).

Literature cited by the submitters: PubMed 16199547; PubMed 18174396; PubMed 22821869.